The following is an entry in ClinVar:

ClinVar aggregate classification (germline): Uncertain significance (1 of 4 stars; one submission).

Conditions:
Primary ciliary dyskinesia. Also called: Ciliary dyskinesia. Identifiers: Orphanet 244, MedGen C0008780, MONDO:0016575, HP:0012265.

Submission:

Ambry Genetics
Classification: Uncertain significance for Primary ciliary dyskinesia. Last evaluated: 2023-11-28. Review status: criteria provided, single submitter. Criteria: Ambry Variant Classification Scheme 2023. Collection method: clinical testing. Allele origin: germline.
Comment: The p.E136Q variant (also known as c.406G>C), located in coding exon 1 of the DNAAF5 gene, results from a G to C substitution at nucleotide position 406. The glutamic acid at codon 136 is replaced by glutamine, an amino acid with highly similar properties. This amino acid position is conserved. In addition, the in silico prediction for this alteration is inconclusive. Since supporting evidence is limited at this time, the clinical significance of this alteration remains unclear.

NM_017802.4(DNAAF5):c.406G>C (p.Glu136Gln)

Genes: DNAAF5 (dynein axonemal assembly factor 5; plus strand), PRKAR1B (protein kinase cAMP-dependent type I regulatory subunit beta; minus strand). Cytogenetic location: 7p22.3.
Variant type: single nucleotide variant.
Coding change: c.406G>C on transcript NM_017802.4 (MANE Select); coding-DNA position 406, G replaced by C.
Protein change: p.Glu136Gln; replaces glutamic acid 136 with glutamine.
Molecular consequence: missense variant. On other transcripts: non-coding transcript variant (1), intron variant (3).
Genome position (GRCh38, 1-based): chr7:727,126, G>C. VCF-style: chr7-727126-G-C. GRCh37 (hg19) VCF-style: chr7-766763-G-C.
Other names: c.-23+529C>G (NM_001164759.1); c.-23+464C>G (NM_001164758.2); c.-23+84C>G (NM_001164760.2); short protein forms E136Q.
Identifiers: ClinVar variation 3227046 (VCV003227046.1), dbSNP rs1781345604, ClinGen allele CA366530522.